The following is an entry in ClinVar:

NM_000303.3(PMM2):c.713G>C (p.Arg238Pro)

Gene: PMM2 (phosphomannomutase 2; plus strand). Cytogenetic location: 16p13.2.
Variant type: single nucleotide variant.
Coding change: c.713G>C on transcript NM_000303.3 (MANE Select); coding-DNA position 713, G replaced by C.
Protein change: p.Arg238Pro; replaces arginine 238 with proline.
Molecular consequence: missense variant.
Genome position (GRCh38, 1-based): chr16:8,847,797, G>C. VCF-style: chr16-8847797-G-C. GRCh37 (hg19) VCF-style: chr16-8941654-G-C.
Other names: short protein forms R238P.
Identifiers: ClinVar variation 1333592 (VCV001333592.8), dbSNP rs151319324, ClinGen allele CA7894214.

ClinVar aggregate classification (germline): Pathogenic/Likely pathogenic. Review status: criteria provided, multiple submitters, no conflicts (2 of 4 stars). 3 submissions from 3 submitters: Pathogenic (2); Likely pathogenic (1). Last evaluated 2024-02-16.

Conditions:
PMM2-congenital disorder of glycosylation. Also called: PMM2-CDG; JAEKEN SYNDROME; PHOSPHOMANNOMUTASE 2 DEFICIENCY; CDG Ia; Congenital disorder of glycosylation, type Ia; CARBOHYDRATE-DEFICIENT GLYCOPROTEIN SYNDROME, TYPE Ia. Identifiers: Orphanet 79318, MedGen C0349653, MONDO:0008907, OMIM 212065.

gnomAD v4.1: 6 of 1,613,530 alleles (0.00037%); highest among the groups gnomAD compares: East Asian, 0.011%; no homozygotes.

Submissions (3):

Labcorp Genetics (formerly Invitae), Labcorp
Classification: Pathogenic for PMM2-congenital disorder of glycosylation. Last evaluated: 2024-02-16. Review status: criteria provided, single submitter. Criteria: Invitae Variant Classification Sherloc (09022015). Collection method: clinical testing. Allele origin: germline.
Comment: This sequence change replaces arginine, which is basic and polar, with proline, which is neutral and non-polar, at codon 238 of the PMM2 protein (p.Arg238Pro). This variant is present in population databases (rs151319324, gnomAD 0.006%). This missense change has been observed in individual(s) with congenital disorder of glycosylation Ia (PMID: 10066032, 25681648). In at least one individual the data is consistent with being in trans (on the opposite chromosome) from a pathogenic variant. It has also been observed to segregate with disease in related individuals. ClinVar contains an entry for this variant (Variation ID: 1333592). Advanced modeling of protein sequence and biophysical properties (such as structural, functional, and spatial information, amino acid conservation, physicochemical variation, residue mobility, and thermodynamic stability) has been performed at Invitae for this missense variant, however the output from this modeling did not meet the statistical confidence thresholds required to predict the impact of this variant on PMM2 protein function. For these reasons, this variant has been classified as Pathogenic.

Baylor Genetics
Classification: Pathogenic for PMM2-congenital disorder of glycosylation. Last evaluated: 2023-05-13. Review status: criteria provided, single submitter. Criteria: ACMG Guidelines, 2015. Collection method: clinical testing. Allele origin: unknown.

3billion
Classification: Likely pathogenic for PMM2-congenital disorder of glycosylation. Last evaluated: 2022-01-03. Review status: criteria provided, single submitter. Criteria: ACMG Guidelines, 2015. Collection method: clinical testing. Allele origin: germline. Affected: yes. Observed: 1 heterozygote.
Comment: Same nucleotide change resulting in same amino acid change has been previously reported to be associated with PMM2 related disorder (PMID:9497260, PS1_P). The variant has been reported to be in trans with a pathogenic variant as either compound heterozygous or homozygous in at least one similarly affected unrelated individual (PMID: 25681648, PM3_M). A different missense change at the same codon has been reported to be associated with PMM2 related disorder (PMID:11058895, PM5_P). In silico tool predictions suggest damaging effect of the variant on gene or gene product (REVEL: 0.723, PP3_P). A missense variant is a common mechanism associated with Congenital disorder of glycosylation (PP2_P). It is observed at an extremely low frequency in the gnomAD v2.1.1 dataset (total allele frequency: 0.000008, PM2_M). Therefore, this variant is classified as likely pathogenic according to the recommendation of ACMG/AMP guideline.

Literature cited by the submitters: PubMed 10066032 (cited by Labcorp Genetics (formerly Invitae), Labcorp); PubMed 25681648 (cited by Labcorp Genetics (formerly Invitae), Labcorp and 3billion); PubMed 11058895 (cited by 3billion); PubMed 9497260 (cited by 3billion).